The following is an entry in ClinVar:

NM_130839.5(UBE3A):c.1668dup (p.Glu557Ter)

Genes: SNHG14 (small nucleolar RNA host gene 14; plus strand), UBE3A (ubiquitin protein ligase E3A; minus strand). Cytogenetic location: 15q11.2.
Variant type: Duplication.
Coding change: c.1668dup on transcript NM_130839.5 (MANE Select); coding-DNA position 1668, one base duplicated (T; older notation c.1668dupT).
Protein change: p.Glu557Ter; replaces glutamic acid 557 with a stop codon.
Molecular consequence: nonsense. On other transcripts: non-coding transcript variant (1).
Genome position (GRCh38, 1-based): chr15:25,360,468, A duplicated on the plus strand (T on the coding strand, the reverse complement: UBE3A is on the minus strand); the first of 3 consecutive A bases (chr15:25,360,468-25,360,470); duplicating any one gives the same sequence. VCF-style (leftmost placement, unchanged base first): chr15-25360467-C-CA. GRCh37 (hg19) VCF-style: chr15-25605614-C-CA.
Other names: c.1677dup, p.Glu560Ter (NM_000462.5); c.1668dup, p.Glu557Ter (NM_001354505.1, NM_001354538.2, NM_001354545.2); c.1608dup, p.Glu537Ter (NM_001354506.2, NM_001354507.2, NM_001354508.2 and 17 more transcripts); c.1491dup, p.Glu498Ter (NM_001354546.2); c.417dup, p.Glu140Ter (NM_001354550.2); c.357dup, p.Glu120Ter (NM_001354551.2); short protein forms E537*, E557*, E560*, E498*, E120*, E140*.
Identifiers: ClinVar variation 155957 (VCV000155957.1), dbSNP rs587781206, ClinGen allele CA333324.

ClinVar aggregate classification (germline): Pathogenic (0 of 4 stars; one submission).

Conditions:
Angelman syndrome (AS). Also called: HAPPY PUPPET SYNDROME. Identifiers: Orphanet 72, MedGen C0162635, MONDO:0007113, OMIM 105830. Disease mechanism: loss of function. Inheritance: AS is caused by disruption of maternally imprinted UBE3A located within the 15q11.2-q13 Angelman syndrome/Prader-Willi syndrome (AS/PWS) region., imprinting disorder.

Submission:

Baylor Genetics
Classification: Pathogenic for Angelman Syndrome. Last evaluated: 2014-02-14. Review status: no assertion criteria provided. Collection method: clinical testing. Allele origin: germline. Affected: yes. Observed: 1 variant allele. Study: UBE3A Mutation Study.
Comment: Data collected from clinical UBE3A sequence analysis results

Literature cited by the submitters: PubMed 25212744.